The following is an entry in ClinVar:

ClinVar aggregate classification (germline): Uncertain significance (1 of 4 stars; one submission).

Conditions:
RYR1-related disorder. Also called: RYR1-related condition; RYR1-related disorders. Identifiers: MedGen CN239331.

gnomAD v4.1: 3 of 1,614,124 alleles (0.00019%); highest among the groups gnomAD compares: East Asian, 0.0067%; no homozygotes.

Submission:

Labcorp Genetics (formerly Invitae), Labcorp
Classification: Uncertain significance for RYR1-related disorder. Last evaluated: 2024-06-02. Review status: criteria provided, single submitter. Criteria: Invitae Variant Classification Sherloc (09022015). Collection method: clinical testing. Allele origin: germline.
Comment: This sequence change replaces arginine, which is basic and polar, with lysine, which is basic and polar, at codon 917 of the RYR1 protein (p.Arg917Lys). This variant is present in population databases (no rsID available, gnomAD 0.01%). This variant has not been reported in the literature in individuals affected with RYR1-related conditions. Advanced modeling of protein sequence and biophysical properties (such as structural, functional, and spatial information, amino acid conservation, physicochemical variation, residue mobility, and thermodynamic stability) performed at Invitae indicates that this missense variant is not expected to disrupt RYR1 protein function with a negative predictive value of 95%. In summary, the available evidence is currently insufficient to determine the role of this variant in disease. Therefore, it has been classified as a Variant of Uncertain Significance.

NM_000540.3(RYR1):c.2750G>A (p.Arg917Lys)

Gene: RYR1 (ryanodine receptor 1; plus strand). Cytogenetic location: 19q13.2.
Variant type: single nucleotide variant.
Coding change: c.2750G>A on transcript NM_000540.3 (MANE Select); coding-DNA position 2750, G replaced by A.
Protein change: p.Arg917Lys; replaces arginine 917 with lysine.
Molecular consequence: missense variant.
Genome position (GRCh38, 1-based): chr19:38,463,814, G>A. VCF-style: chr19-38463814-G-A. GRCh37 (hg19) VCF-style: chr19-38954454-G-A.
Other names: c.2750G>A, p.Arg917Lys (NM_001042723.2); short protein forms R917K.
Identifiers: ClinVar variation 3710397 (VCV003710397.2).
Genomic context (GRCh38, chr19:38,463,814, plus strand): 5'-ATGACAACAAGAGGCTGCACCCGTGTCTTGTGGACTTCCACAGCCTTCCAGAGCCTGAGA[G>A]GAACTACAACCTGCAGATGTCTGGGGAGACGCTCAAGTGAGGGCCCAGGGGAGCCGGGGG-3'
Protein context (NP_000531.2, residues 907-927): VDFHSLPEPE[Arg917Lys]NYNLQMSGET